The following is an entry in ClinVar:

NM_000218.3(KCNQ1):c.2007G>A (p.Arg669=)

Genes: KCNQ1 (potassium voltage-gated channel subfamily Q member 1; plus strand), KCNQ1-AS1 (KCNQ1 antisense RNA 1; minus strand). Cytogenetic location: 11p15.4.
Variant type: single nucleotide variant.
Coding change: c.2007G>A on transcript NM_000218.3 (MANE Select); coding-DNA position 2007, G replaced by A.
Protein change: p.Arg669=; no amino-acid change (arginine 669 retained).
Molecular consequence: synonymous variant.
Genome position (GRCh38, 1-based): chr11:2,847,979, G>A. VCF-style: chr11-2847979-G-A. GRCh37 (hg19) VCF-style: chr11-2869209-G-A.
Other names: c.519G>A, p.Arg173= (NM_001406839.1); c.1626G>A, p.Arg542= (NM_181798.2); c.1911G>A, p.Arg637= (NM_001406836.1); c.1737G>A, p.Arg579= (NM_001406837.1); c.1467G>A, p.Arg489= (NM_001406838.1).
Identifiers: ClinVar variation 3386959 (VCV003386959.2).

ClinVar aggregate classification (germline): Likely benign. Review status: criteria provided, multiple submitters, no conflicts (2 of 4 stars). 2 submissions from 2 submitters: Likely benign (2). Last evaluated 2024-05-14.

Conditions:
Long QT syndrome (LQTS). Identifiers: MedGen C0023976, MeSH D008133, MONDO:0002442. Disease mechanism: loss of function. Inheritance: Various modes of inheritance.

gnomAD v4.1: 1 of 1,551,954 alleles (0.000064%); highest among the groups gnomAD compares: Non-Finnish European, 0.000087%; no homozygotes.

Submissions (2):

All of Us Research Program, National Institutes of Health
Classification: Likely benign for Long QT syndrome. Last evaluated: 2024-05-14. Review status: criteria provided, single submitter. Criteria: ACMG Guidelines, 2015. Collection method: clinical testing. Allele origin: germline. Inheritance: Autosomal dominant inheritance. Observed: 1 variant allele, 1 heterozygote.
Comment: This study involves interpretation of variants in research participants for the purpose of population health screening. Participant phenotype was not available at the time of variant classification. Additional details can be found in publication PMID: 35346344, PMCID: PMC8962531

Blueprint Genetics
Classification: Likely benign. Last evaluated: 2020-06-23. Review status: criteria provided, single submitter. Criteria: ACMG Guidelines, 2015. Collection method: clinical testing. Allele origin: germline.